The following is an entry in ClinVar:

ClinVar aggregate classification (germline): Uncertain significance (1 of 4 stars; one submission).

Submission:

Ambry Genetics
Classification: Uncertain significance. Last evaluated: 2022-03-27. Review status: criteria provided, single submitter. Criteria: Ambry Variant Classification Scheme 2023. Collection method: clinical testing. Allele origin: germline.
Comment: The p.L172P variant (also known as c.515T>C), located in coding exon 3 of the ALPK2 gene, results from a T to C substitution at nucleotide position 515. The leucine at codon 172 is replaced by proline, an amino acid with similar properties. This amino acid position is conserved. In addition, this alteration is predicted to be tolerated by in silico analysis. Since supporting evidence is limited at this time, the clinical significance of this alteration remains unclear.

NM_052947.4(ALPK2):c.515T>C (p.Leu172Pro)

Gene: ALPK2 (alpha kinase 2; minus strand). Cytogenetic location: 18q21.31.
Variant type: single nucleotide variant.
Coding change: c.515T>C on transcript NM_052947.4 (MANE Select); coding-DNA position 515, T replaced by C.
Protein change: p.Leu172Pro; replaces leucine 172 with proline.
Molecular consequence: missense variant.
Genome position (GRCh38, 1-based): chr18:58,580,261, A>G on the plus strand (T>C on the coding strand, the complement: ALPK2 is on the minus strand). VCF-style: chr18-58580261-A-G. GRCh37 (hg19) VCF-style: chr18-56247493-A-G.
Other names: short protein forms L172P.
Identifiers: ClinVar variation 1745720 (VCV001745720.2), dbSNP rs2518900137, ClinGen allele CA402567805.